The following is an entry in ClinVar:

NM_005085.4(NUP214):c.1159C>T (p.Pro387Ser)

Gene: NUP214 (nucleoporin 214; plus strand). Cytogenetic location: 9q34.13.
Variant type: single nucleotide variant.
Coding change: c.1159C>T on transcript NM_005085.4 (MANE Select); coding-DNA position 1159, C replaced by T.
Protein change: p.Pro387Ser; replaces proline 387 with serine.
Molecular consequence: missense variant.
Genome position (GRCh38, 1-based): chr9:131,140,575, C>T. VCF-style: chr9-131140575-C-T. GRCh37 (hg19) VCF-style: chr9-134015962-C-T.
Other names: c.1159C>T, p.Pro387Ser (NM_001318324.2, LRG_1383t1); short protein forms P387S.
Identifiers: ClinVar variation 634924 (VCV000634924.4), dbSNP rs563025075, ClinGen allele CA5288952.

ClinVar aggregate classification (germline): Likely pathogenic. Review status: criteria provided, single submitter (1 of 4 stars). 2 submissions from 2 submitters: Likely pathogenic (1). 1 of the submissions does not count toward it. Last evaluated 2026-06-15.

Conditions:
Encephalopathy, acute, infection-induced, susceptibility to, 9. Identifiers: MedGen C5193089, MONDO:0032742, OMIM 618426.

Allele frequency attached by ClinVar (database versions not stated): gnomAD 0.00001; TOPMed 0.00001.
gnomAD v4.1: 12 of 1,612,424 alleles (0.00074%); highest among the groups gnomAD compares: Non-Finnish European, 0.00085%; no homozygotes.

Submissions (2):

GeneDx
Classification: Likely pathogenic. Last evaluated: 2026-06-15. Review status: criteria provided, single submitter. Criteria: GeneDx Variant Classification Process June 2021. Collection method: clinical testing. Allele origin: germline.
Comment: In silico analysis supports that this missense variant has a deleterious effect on protein structure/function; Not observed at significant frequency in large population cohorts (gnomAD); This variant is associated with the following publications: (PMID: 31178128, 39650934, 38179855, 42056597)

OMIM
Classification: risk factor for ENCEPHALOPATHY, ACUTE, INFECTION-INDUCED, SUSCEPTIBILITY TO, 9. Last evaluated: 2019-06-19. Review status: no assertion criteria provided. Collection method: literature only. Allele origin: germline. Not counted in ClinVar's aggregate classification.

Literature cited by the submitters: PubMed 31178128 (cited by OMIM).